The following is an entry in ClinVar:

ClinVar aggregate classification (germline): Benign/Likely benign. Review status: criteria provided, multiple submitters, no conflicts (2 of 4 stars). 10 submissions from 10 submitters: Benign (1); Likely benign (9). Last evaluated 2026-02-02.

Conditions:
Hereditary cancer-predisposing syndrome. Also called: Tumor predisposition; Hereditary Cancer Syndrome; Neoplastic Syndromes, Hereditary; Hereditary neoplastic syndrome. Identifiers: Orphanet 140162, MedGen C0027672, MeSH D009386, MONDO:0015356.
Peutz-Jeghers syndrome (PJS). Also called: POLYPOSIS, HAMARTOMATOUS INTESTINAL; POLYPS-AND-SPOTS SYNDROME; Peutz-Jeghers polyposis; Periorificial lentiginosis syndrome. Identifiers: Orphanet 2869, MedGen C0031269, MeSH D010580, MONDO:0008280, OMIM 175200.

Allele frequency attached by ClinVar (database versions not stated): gnomAD 0.00001 and 0.00002; gnomAD exomes 0.00001 and 0.00005; TOPMed 0.00003; ExAC 0.00008.

Submissions (10):

Labcorp Genetics (formerly Invitae), Labcorp
Classification: Likely benign for Peutz-Jeghers syndrome. Last evaluated: 2026-02-02. Review status: criteria provided, single submitter. Criteria: Invitae Variant Classification Sherloc (09022015). Collection method: clinical testing. Allele origin: germline.

Myriad Genetics, Inc.
Classification: Benign for Peutz-Jeghers syndrome. Last evaluated: 2025-03-28. Review status: criteria provided, single submitter. Criteria: Myriad Autosomal Dominant, Autosomal Recessive and X-Linked Classification Criteria (2023). Collection method: clinical testing. Allele origin: unknown.
Comment: This variant is considered benign. This variant is intronic and is not expected to impact mRNA splicing. Homozygosity has been confirmed in one or more individuals. As homozygosity for pathogenic variants in this gene is generally assumed to result in embryonic lethality, this variant is unlikely to be pathogenic.

Women's Health and Genetics/Laboratory Corporation of America, LabCorp
Classification: Likely benign. Last evaluated: 2024-10-31. Review status: criteria provided, single submitter. Criteria: LabCorp Variant Classification Summary - May 2015. Collection method: clinical testing. Allele origin: germline.

Quest Diagnostics Nichols Institute San Juan Capistrano
Classification: Likely benign. Last evaluated: 2022-10-05. Review status: criteria provided, single submitter. Criteria: Quest Diagnostics criteria. Collection method: clinical testing. Allele origin: unknown.
Comment: To the best of our knowledge, the variant has not been reported in the published literature. The frequency of this variant in the general population, 0.000081 (2/24694 chromosomes), is uninformative in assessment of its pathogenicity. Analysis of this variant using software algorithms for the prediction of the effect of nucleotide changes on splicing yielded predictions that this variant does not affect STK11 mRNA splicing . Based on the available information, we are unable to determine the clinical significance of this variant.

Sema4
Classification: Likely benign for Hereditary cancer-predisposing syndrome. Last evaluated: 2021-07-20. Review status: criteria provided, single submitter. Criteria: Sema4 Curation Guidelines. Collection method: curation. Allele origin: germline.

Genome-Nilou Lab
Classification: Likely benign for Peutz-Jeghers syndrome. Last evaluated: 2021-07-15. Review status: criteria provided, single submitter. Criteria: ACMG Guidelines, 2015. Collection method: clinical testing. Allele origin: germline. Affected: no.

GeneDx
Classification: Likely benign. Last evaluated: 2019-11-14. Review status: criteria provided, single submitter. Criteria: GeneDx Variant Classification Process June 2021. Collection method: clinical testing. Allele origin: germline. Affected: yes.

Mendelics
Classification: Likely benign for Peutz-Jeghers syndrome. Last evaluated: 2019-05-28. Review status: criteria provided, single submitter. Criteria: Mendelics Assertion Criteria 2017. Collection method: clinical testing. Allele origin: unknown.

PreventionGenetics, part of Exact Sciences
Classification: Likely benign. Last evaluated: 2017-06-20. Review status: criteria provided, single submitter. Criteria: ACMG Guidelines, 2015. Collection method: clinical testing. Allele origin: germline.

Color Diagnostics, LLC DBA Color Health
Classification: Likely benign for Hereditary cancer-predisposing syndrome. Last evaluated: 2017-06-05. Review status: criteria provided, single submitter. Criteria: ACMG Guidelines, 2015. Collection method: clinical testing. Allele origin: germline.

NM_000455.5(STK11):c.921-9C>T

Gene: STK11 (serine/threonine kinase 11; plus strand). Cytogenetic location: 19p13.3.
Variant type: single nucleotide variant.
Coding change: c.921-9C>T on transcript NM_000455.5 (MANE Select); 9 bases into the intron before coding-DNA position 921, C replaced by T.
Molecular consequence: intron variant.
Genome position (GRCh38, 1-based): chr19:1,222,976, C>T. VCF-style: chr19-1222976-C-T. GRCh37 (hg19) VCF-style: chr19-1222975-C-T.
Identifiers: ClinVar variation 215744 (VCV000215744.25), dbSNP rs761688641, ClinGen allele CA049717.